The following is an entry in ClinVar:

ClinVar aggregate classification (germline): Likely pathogenic (1 of 4 stars; one submission).

Conditions:
Fabry disease. Also called: ALPHA-GALACTOSIDASE A DEFICIENCY; ANDERSON-FABRY DISEASE; CERAMIDE TRIHEXOSIDASE DEFICIENCY; GLA DEFICIENCY; HEREDITARY DYSTOPIC LIPIDOSIS; Angiokeratoma corporis diffusum. Identifiers: Orphanet 324, MedGen C0002986, MONDO:0010526, OMIM 301500, HP:0001071. Disease mechanism: Fabry disease is due to inactivating mutations in the X-linked GLA gene resulting in deficiency of the enzyme Alpha Galactosidase-A., loss of function.

Submission:

Genomenon, Inc
Classification: Likely pathogenic for Fabry disease. Last evaluated: 2026-09-08. Review status: criteria provided, single submitter. Criteria: Genomenon Sequence Variant Interpretation Standards - Updated. Collection method: curation. Allele origin: germline. Affected: yes.
Comment: GLA p.Tyr207_Trp209del (c.618_627delinsA) is an in-frame deletion that results in the loss of multiple amino acids, from Tyrosine at codon 207 to Tryptophan at codon 209. This variant has been observed in at least one proband with clinical features consistent with Fabry disease (PMID:28672034). The variant was found to segregate with disease in at least one affected family (PMID:28672034). This variant is located in a mutational hotspot and/or important functional domain. It is absent or not present at a significant frequency in gnomAD. In conclusion, we classify GLA p.Tyr207_Trp209del (c.618_627delinsA) as a likely pathogenic variant.

Literature cited by the submitters: PubMed 28672034.

NM_000169.3(GLA):c.618_627delinsA (p.Tyr207_Trp209del)

Genes: GLA (galactosidase alpha; minus strand), RPL36A-HNRNPH2 (RPL36A-HNRNPH2 readthrough; plus strand). Cytogenetic location: Xq22.1.
Variant type: Indel.
Coding change: c.618_627delinsA on transcript NM_000169.3 (MANE Select); coding-DNA positions 618 to 627, TTATATGTGG replaced by A.
Protein change: p.Tyr207_Trp209del.
Molecular consequence: inframe deletion. On other transcripts: non-coding transcript variant (2), intron variant (2).
Genome position (GRCh38, 1-based): chrX:101,400,678-101,400,687, CCACATATAA replaced by T on the plus strand (TTATATGTGG replaced by A on the coding strand, the reverse complement: GLA is on the minus strand). VCF-style: chrX-101400678-CCACATATAA-T. GRCh37 (hg19) VCF-style: chrX-100655666-CCACATATAA-T.
Other names: c.741_750delinsA, p.Tyr248_Trp250del (NM_001406747.1); c.618_627delinsA, p.Tyr207_Trp209del (NM_001406748.1); c.300+5221_300+5230delinsT (NM_001199973.2); c.177+8856_177+8865delinsT (NM_001199974.2).
Identifiers: ClinVar variation 4087101 (VCV004087101.2), dbSNP rs869312349.